The following is an entry in ClinVar:

ClinVar aggregate classification (germline): Likely benign. Review status: criteria provided, multiple submitters, no conflicts (2 of 4 stars). 3 submissions from 3 submitters: Likely benign (3). Last evaluated 2025-01-01.

Conditions:
Warburg micro syndrome 2 (WARBM2). Also called: MICRO SYNDROME 2. Identifiers: Orphanet 2510, MedGen C3280214, MONDO:0013641, OMIM 614225.
Martsolf syndrome (MARTS). Also called: Congenital cataract with intellectual disability and hypogonadotropic hypogonadism syndrome. Identifiers: Orphanet 1387, MedGen C0796037, MONDO:0023910.

Allele frequency attached by ClinVar (database versions not stated): gnomAD 0.00002; ESP Exome Variant Server 0.00015.
gnomAD v4.1: 27 of 1,613,314 alleles (0.0017%); highest among the groups gnomAD compares: Non-Finnish European, 0.0023%; no homozygotes.

Submissions (3):

CeGaT Center for Human Genetics Tuebingen
Classification: Likely benign. Last evaluated: 2025-01-01. Review status: criteria provided, single submitter. Criteria: CeGaT Center For Human Genetics Tuebingen Variant Classification Criteria Version 2. Collection method: clinical testing. Allele origin: germline. Affected: yes. Observed: 1 variant allele.
Comment: RAB3GAP2: BP4, BP7

Blueprint Genetics
Classification: Likely benign. Last evaluated: 2024-05-20. Review status: criteria provided, single submitter. Criteria: ACMG Guidelines, 2015. Collection method: clinical testing. Allele origin: germline.

Labcorp Genetics (formerly Invitae), Labcorp
Classification: Likely benign for Martsolf syndrome; Warburg micro syndrome 2. Last evaluated: 2023-09-03. Review status: criteria provided, single submitter. Criteria: Invitae Variant Classification Sherloc (09022015). Collection method: clinical testing. Allele origin: germline.

NM_012414.4(RAB3GAP2):c.933A>G (p.Pro311=)

Gene: RAB3GAP2 (RAB3 GTPase activating non-catalytic protein subunit 2; minus strand). Cytogenetic location: 1q41.
Variant type: single nucleotide variant.
Coding change: c.933A>G on transcript NM_012414.4 (MANE Select); coding-DNA position 933, A replaced by G.
Protein change: p.Pro311=; no amino-acid change (proline 311 retained).
Molecular consequence: synonymous variant.
Genome position (GRCh38, 1-based): chr1:220,196,277, T>C on the plus strand (A>G on the coding strand, the complement: RAB3GAP2 is on the minus strand). VCF-style: chr1-220196277-T-C. GRCh37 (hg19) VCF-style: chr1-220369619-T-C.
Identifiers: ClinVar variation 2922613 (VCV002922613.17), dbSNP rs375262214, ClinGen allele CA1402826.